The following is an entry in ClinVar:

NM_000038.6(APC):c.864A>G (p.Thr288=)

Gene: APC (APC regulator of Wnt signaling pathway; plus strand). Cytogenetic location: 5q22.2.
Variant type: single nucleotide variant.
Coding change: c.864A>G on transcript NM_000038.6 (MANE Select); coding-DNA position 864, A replaced by G.
Protein change: p.Thr288=; no amino-acid change (threonine 288 retained).
Molecular consequence: synonymous variant.
Genome position (GRCh38, 1-based): chr5:112,815,524, A>G. VCF-style: chr5-112815524-A-G. GRCh37 (hg19) VCF-style: chr5-112151221-A-G.
Other names: c.864A>G, p.Thr288= (NM_001127510.3, NM_001354895.2, NM_001354896.2 and 1 more transcripts); c.810A>G, p.Thr270= (NM_001127511.3); c.894A>G, p.Thr298= (NM_001354897.2, NM_001354902.2); c.789A>G, p.Thr263= (NM_001354898.2, NM_001354904.2); c.780A>G, p.Thr260= (NM_001354899.2); c.687A>G, p.Thr229= (NM_001354900.2, NM_001354901.2, NM_001354905.2); c.15A>G, p.Thr5= (NM_001354906.2).
Identifiers: ClinVar variation 794952 (VCV000794952.37), dbSNP rs1580511694, ClinGen allele CA445755685.

ClinVar aggregate classification (germline): Benign/Likely benign. Review status: criteria provided, multiple submitters, no conflicts (2 of 4 stars). 4 submissions from 4 submitters: Benign (1); Likely benign (3). Last evaluated 2024-02-27.

Conditions:
Familial adenomatous polyposis 1 (FAP1). Also called: POLYPOSIS, ADENOMATOUS INTESTINAL; FAMILIAL ADENOMATOUS POLYPOSIS 1, ATTENUATED. Identifiers: MedGen C2713442, MONDO:0021056, OMIM 175100. Disease mechanism: loss of function.
Hereditary cancer-predisposing syndrome. Also called: Tumor predisposition; Neoplastic Syndromes, Hereditary; Hereditary Cancer Syndrome; Hereditary neoplastic syndrome. Identifiers: Orphanet 140162, MedGen C0027672, MeSH D009386, MONDO:0015356.

Submissions (4):

Myriad Genetics, Inc.
Classification: Benign for Familial adenomatous polyposis 1. Last evaluated: 2024-02-27. Review status: criteria provided, single submitter. Criteria: Myriad Autosomal Dominant, Autosomal Recessive and X-Linked Classification Criteria (2023). Collection method: clinical testing. Allele origin: unknown.
Comment: This variant is considered benign. This variant is a silent/synonymous amino acid change and it is not expected to impact splicing.

CeGaT Center for Human Genetics Tuebingen
Classification: Likely benign. Last evaluated: 2023-06-01. Review status: criteria provided, single submitter. Criteria: CeGaT Center For Human Genetics Tuebingen Variant Classification Criteria Version 2. Collection method: clinical testing. Allele origin: germline. Affected: yes. Observed: 1 variant allele.
Comment: APC: PM2:Supporting, BP4, BP7

Labcorp Genetics (formerly Invitae), Labcorp
Classification: Likely benign for Familial adenomatous polyposis 1. Last evaluated: 2022-07-19. Review status: criteria provided, single submitter. Criteria: Invitae Variant Classification Sherloc (09022015). Collection method: clinical testing. Allele origin: germline.

Ambry Genetics
Classification: Likely benign for Hereditary cancer-predisposing syndrome. Last evaluated: 2015-10-12. Review status: criteria provided, single submitter. Criteria: Ambry Variant Classification Scheme 2023. Collection method: clinical testing. Allele origin: germline.